The following is an entry in ClinVar:

NM_024685.4(BBS10):c.1325C>G (p.Thr442Ser)

Gene: BBS10 (Bardet-Biedl syndrome 10; minus strand). Cytogenetic location: 12q21.2.
Variant type: single nucleotide variant.
Coding change: c.1325C>G on transcript NM_024685.4 (MANE Select); coding-DNA position 1325, C replaced by G.
Protein change: p.Thr442Ser; replaces threonine 442 with serine.
Molecular consequence: missense variant.
Genome position (GRCh38, 1-based): chr12:76,346,660, G>C on the plus strand (C>G on the coding strand, the complement: BBS10 is on the minus strand). VCF-style: chr12-76346660-G-C. GRCh37 (hg19) VCF-style: chr12-76740440-G-C.
Other names: short protein forms T442S.
Identifiers: ClinVar variation 2163566 (VCV002163566.2), dbSNP rs780966013, ClinGen allele CA6694191.

ClinVar aggregate classification (germline): Uncertain significance (1 of 4 stars; one submission).

Conditions:
Bardet-Biedl syndrome (BBS). Identifiers: Orphanet 110, MedGen C0752166, MONDO:0015229.

gnomAD v4.1: 4 of 1,614,032 alleles (0.00025%); highest among the groups gnomAD compares: Non-Finnish European, 0.00025%; no homozygotes.

Submission:

Labcorp Genetics (formerly Invitae), Labcorp
Classification: Uncertain significance for Bardet-Biedl syndrome. Last evaluated: 2025-09-15. Review status: criteria provided, single submitter. Criteria: Invitae Variant Classification Sherloc (09022015). Collection method: clinical testing. Allele origin: germline.
Comment: This sequence change replaces threonine, which is neutral and polar, with serine, which is neutral and polar, at codon 442 of the BBS10 protein (p.Thr442Ser). This variant is present in population databases (rs780966013, gnomAD 0.003%). This variant has not been reported in the literature in individuals affected with BBS10-related conditions. ClinVar contains an entry for this variant (Variation ID: 2163566). Invitae Evidence Modeling of protein sequence and biophysical properties (such as structural, functional, and spatial information, amino acid conservation, physicochemical variation, residue mobility, and thermodynamic stability) indicates that this missense variant is not expected to disrupt BBS10 protein function with a negative predictive value of 80%. In summary, the available evidence is currently insufficient to determine the role of this variant in disease. Therefore, it has been classified as a Variant of Uncertain Significance.